The following is an entry in ClinVar:

ClinVar aggregate classification (germline): Uncertain significance (1 of 4 stars; one submission).

Conditions:
RASA2-related disorder. Also called: RASA2-related condition.

gnomAD v4.1: 1 of 1,612,942 alleles (0.000062%); no homozygotes.

Submission:

PreventionGenetics, part of Exact Sciences
Classification: Uncertain significance for RASA2-related condition. Last evaluated: 2026-06-10. Review status: criteria provided, single submitter. Criteria: ACMG Guidelines, 2015. Collection method: clinical testing. Allele origin: germline.
Comment: The RASA2 c.478A>G variant is predicted to result in the amino acid substitution p.Asn160Asp. To our knowledge, this variant has not been reported in the literature or in a large population database (gnomAD), indicating this variant is rare. At this time, the clinical significance of this variant is uncertain due to the absence of conclusive functional and genetic evidence.

NM_006506.5(RASA2):c.478A>G (p.Asn160Asp)

Gene: RASA2 (RAS p21 protein activator 2; plus strand). Cytogenetic location: 3q23.
Variant type: single nucleotide variant.
Coding change: c.478A>G on transcript NM_006506.5 (MANE Select); coding-DNA position 478, A replaced by G.
Protein change: p.Asn160Asp; replaces asparagine 160 with aspartic acid.
Molecular consequence: missense variant.
Genome position (GRCh38, 1-based): chr3:141,540,560, A>G. VCF-style: chr3-141540560-A-G. GRCh37 (hg19) VCF-style: chr3-141259402-A-G.
Other names: c.478A>G, p.Asn160Asp (NM_001303245.3, NM_001303246.3); short protein forms N160D.
Identifiers: ClinVar variation 4991508 (VCV004991508.1).